The following is an entry in ClinVar:

NM_017866.6(TMEM70):c.741G>A (p.Met247Ile)

Gene: TMEM70 (transmembrane protein 70; plus strand). Cytogenetic location: 8q21.11.
Variant type: single nucleotide variant.
Coding change: c.741G>A on transcript NM_017866.6 (MANE Select); coding-DNA position 741, G replaced by A.
Protein change: p.Met247Ile; replaces methionine 247 with isoleucine.
Molecular consequence: missense variant. On other transcripts: 3 prime UTR variant (1), non-coding transcript variant (1).
Genome position (GRCh38, 1-based): chr8:73,981,579, G>A. VCF-style: chr8-73981579-G-A. GRCh37 (hg19) VCF-style: chr8-74893814-G-A.
Other names: c.*431G>A (NM_001040613.3); short protein forms M247I.
Identifiers: ClinVar variation 1499201 (VCV001499201.8), dbSNP rs1190169356, ClinGen allele CA371490646.

ClinVar aggregate classification (germline): Uncertain significance (1 of 4 stars; one submission).

Conditions:
Mitochondrial complex V (ATP synthase) deficiency, nuclear type 2. Also called: Nuclear-Encoded ATPase Deficiency, TMEM70-Related; ENCEPHALOCARDIOMYOPATHY, MITOCHONDRIAL, NEONATAL, DUE TO ATP SYNTHASE DEFICIENCY; MITOCHONDRIAL COMPLEX V (ATP SYNTHASE) DEFICIENCY, TMEM70 TYPE. Identifiers: Orphanet 1194, MedGen C3279699, MONDO:0013546, OMIM 614052.

Allele frequency attached by ClinVar (database versions not stated): TOPMed below 0.00001; gnomAD exomes below 0.00001.

Submission:

Labcorp Genetics (formerly Invitae), Labcorp
Classification: Uncertain significance for Mitochondrial complex V (ATP synthase) deficiency, nuclear type 2. Last evaluated: 2022-10-13. Review status: criteria provided, single submitter. Criteria: Invitae Variant Classification Sherloc (09022015). Collection method: clinical testing. Allele origin: germline.
Comment: This sequence change replaces methionine, which is neutral and non-polar, with isoleucine, which is neutral and non-polar, at codon 247 of the TMEM70 protein (p.Met247Ile). This variant is not present in population databases (gnomAD no frequency). This variant has not been reported in the literature in individuals affected with TMEM70-related conditions. ClinVar contains an entry for this variant (Variation ID: 1499201). Algorithms developed to predict the effect of missense changes on protein structure and function output the following: SIFT: "Tolerated"; PolyPhen-2: "Benign"; Align-GVGD: "Class C0". The isoleucine amino acid residue is found in multiple mammalian species, which suggests that this missense change does not adversely affect protein function. In summary, the available evidence is currently insufficient to determine the role of this variant in disease. Therefore, it has been classified as a Variant of Uncertain Significance.